The following is an entry in ClinVar:

NM_014000.3(VCL):c.1642G>A (p.Val548Met)

Gene: VCL (vinculin; plus strand). Cytogenetic location: 10q22.2.
Variant type: single nucleotide variant.
Coding change: c.1642G>A on transcript NM_014000.3 (MANE Select); coding-DNA position 1642, G replaced by A.
Protein change: p.Val548Met; replaces valine 548 with methionine.
Molecular consequence: missense variant.
Genome position (GRCh38, 1-based): chr10:74,095,754, G>A. VCF-style: chr10-74095754-G-A. GRCh37 (hg19) VCF-style: chr10-75855512-G-A.
Other names: c.1642G>A, p.Val548Met (NM_003373.4); short protein forms V548M.
Identifiers: ClinVar variation 1486361 (VCV001486361.8), dbSNP rs1470538710, ClinGen allele CA377274778.
Genomic context (GRCh38, chr10:74,095,754, plus strand): 5'-CGTCTGGCTAATGTTATGATGGGGCCTTATCGGCAAGATCTTCTCGCCAAGTGTGACCGA[G>A]TGGACCAGCTGACAGCCCAGCTGGCTGACCTGGCTGCCAGAGGGGAAGGGGAGAGTCCTC-3'
Protein context (NP_054706.1, residues 538-558): RQDLLAKCDR[Val548Met]DQLTAQLADL

ClinVar aggregate classification (germline): Uncertain significance (1 of 4 stars; one submission).

Conditions:
Dilated cardiomyopathy 1W (CMD1W). Identifiers: Orphanet 154, MedGen C1969639, MONDO:0012667, OMIM 611407.

gnomAD v4.1: 1 of 1,614,258 alleles (0.000062%); highest among the groups gnomAD compares: Non-Finnish European, 0.000085%; no homozygotes.

Submission:

Labcorp Genetics (formerly Invitae), Labcorp
Classification: Uncertain significance for Dilated cardiomyopathy 1W. Last evaluated: 2022-06-23. Review status: criteria provided, single submitter. Criteria: Invitae Variant Classification Sherloc (09022015). Collection method: clinical testing. Allele origin: germline.
Comment: This sequence change replaces valine, which is neutral and non-polar, with methionine, which is neutral and non-polar, at codon 548 of the VCL protein (p.Val548Met). This variant is not present in population databases (gnomAD no frequency). This variant has not been reported in the literature in individuals affected with VCL-related conditions. Algorithms developed to predict the effect of missense changes on protein structure and function are either unavailable or do not agree on the potential impact of this missense change (SIFT: "Not Available"; PolyPhen-2: "Probably Damaging"; Align-GVGD: "Not Available"). In summary, the available evidence is currently insufficient to determine the role of this variant in disease. Therefore, it has been classified as a Variant of Uncertain Significance.